The following is an entry in ClinVar:

NM_000274.4(OAT):c.1301A>C (p.Lys434Thr)

Gene: OAT (ornithine aminotransferase; minus strand). Cytogenetic location: 10q26.13.
Variant type: single nucleotide variant.
Coding change: c.1301A>C on transcript NM_000274.4 (MANE Select); coding-DNA position 1301, A replaced by C.
Protein change: p.Lys434Thr; replaces lysine 434 with threonine.
Molecular consequence: missense variant.
Genome position (GRCh38, 1-based): chr10:124,397,961, T>G on the plus strand (A>C on the coding strand, the complement: OAT is on the minus strand). VCF-style: chr10-124397961-T-G. GRCh37 (hg19) VCF-style: chr10-126086530-T-G.
Other names: c.1301A>C (NM_000274.3); c.887A>C, p.Lys296Thr (NM_001171814.2); c.1301A>C, p.Lys434Thr (NM_001322965.2, NM_001322966.2, NM_001322967.2 and 3 more transcripts); c.980A>C, p.Lys327Thr (NM_001322971.2); c.701A>C, p.Lys234Thr (NM_001322974.2); short protein forms K434T, K296T, K327T, K234T.
Identifiers: ClinVar variation 1425811 (VCV001425811.7), dbSNP rs2134439801, ClinGen allele CA378632991.

ClinVar aggregate classification (germline): Uncertain significance. Review status: criteria provided, multiple submitters, no conflicts (2 of 4 stars). 2 submissions from 2 submitters: Uncertain significance (2). Last evaluated 2025-05-05.

Conditions:
Inborn genetic diseases. Identifiers: MedGen C0950123, MeSH D030342.
Ornithine aminotransferase deficiency (GACR). Also called: Ornithine ketoacid aminotransferase deficiency; Gyrate atrophy; Gyrate atrophy of choroid and retina; Girate atrophy of the retina; HYPERORNITHINEMIA WITH GYRATE ATROPHY OF CHOROID AND RETINA; OAT DEFICIENCY. Identifiers: Orphanet 414, MedGen C0018425, MONDO:0009796, OMIM 258870.

gnomAD v4.1: 2 of 1,613,864 alleles (0.00012%); highest among the groups gnomAD compares: Admixed American, 0.0033%; no homozygotes.

Submissions (2):

Labcorp Genetics (formerly Invitae), Labcorp
Classification: Uncertain significance for Ornithine aminotransferase deficiency. Last evaluated: 2025-05-05. Review status: criteria provided, single submitter. Criteria: Invitae Variant Classification Sherloc (09022015). Collection method: clinical testing. Allele origin: germline.
Comment: This sequence change replaces lysine, which is basic and polar, with threonine, which is neutral and polar, at codon 434 of the OAT protein (p.Lys434Thr). This variant is not present in population databases (gnomAD no frequency). This variant has not been reported in the literature in individuals affected with OAT-related conditions. ClinVar contains an entry for this variant (Variation ID: 1425811). Invitae Evidence Modeling of protein sequence and biophysical properties (such as structural, functional, and spatial information, amino acid conservation, physicochemical variation, residue mobility, and thermodynamic stability) indicates that this missense variant is not expected to disrupt OAT protein function with a negative predictive value of 80%. In summary, the available evidence is currently insufficient to determine the role of this variant in disease. Therefore, it has been classified as a Variant of Uncertain Significance.

Ambry Genetics
Classification: Uncertain significance for Inborn genetic diseases. Last evaluated: 2024-08-06. Review status: criteria provided, single submitter. Criteria: Ambry Variant Classification Scheme 2023. Collection method: clinical testing. Allele origin: germline.